The following is an entry in ClinVar:

ClinVar aggregate classification (germline): Uncertain significance (1 of 4 stars; one submission).

Conditions:
KMT2D-related disorder. Also called: KMT2D-Related Disorders.

Submission:

PreventionGenetics, part of Exact Sciences
Classification: Uncertain significance for KMT2D-related condition. Last evaluated: 2026-06-25. Review status: criteria provided, single submitter. Criteria: ACMG Guidelines, 2015. Collection method: clinical testing. Allele origin: germline.
Comment: The KMT2D c.12237_12242dup6 variant is predicted to result in an in-frame duplication (p.Gln4085_Pro4086dup). To our knowledge, this variant has not been reported in the literature or in a large population database (gnomAD), indicating this variant is rare. At this time, the clinical significance of this variant is uncertain due to the absence of conclusive functional and genetic evidence.

NM_003482.4(KMT2D):c.12237_12242dup (p.Pro4086_Ser4087insGlnPro)

Gene: KMT2D (lysine methyltransferase 2D; minus strand). Cytogenetic location: 12q13.12.
Variant type: Duplication.
Coding change: c.12237_12242dup on transcript NM_003482.4 (MANE Select); coding-DNA positions 12237 to 12242, 6 bases duplicated (ACCCCA; older notation c.12237_12242dupACCCCA).
Protein change: p.Pro4086_Ser4087insGlnPro.
Molecular consequence: inframe insertion. On other transcripts: inframe indel (1).
Genome position (GRCh38, 1-based): chr12:49,032,463-49,032,468, TGGGGT duplicated on the plus strand (ACCCCA on the coding strand, the reverse complement: KMT2D is on the minus strand); duplicating any 6 consecutive bases within chr12:49,032,463-49,032,471 gives the same sequence; the c. name uses the placement nearest the transcript's 3' end. VCF-style (leftmost placement, unchanged base first): chr12-49032462-C-CTGGGGT. GRCh37 (hg19) VCF-style: chr12-49426245-C-CTGGGGT.
Other names: c.12237_12242dup6 (NM_003482.3).
Identifiers: ClinVar variation 4992316 (VCV004992316.1).